The following is an entry in ClinVar:

ClinVar aggregate classification (germline): Uncertain significance (1 of 4 stars; one submission).

Conditions:
Glycogen storage disease type III (GSD3). Also called: Cori disease; FORBES DISEASE. Identifiers: Orphanet 366, MedGen C0017922, MONDO:0009291, OMIM 232400.

Submission:

Labcorp Genetics (formerly Invitae), Labcorp
Classification: Uncertain significance for Glycogen storage disease type III. Last evaluated: 2022-04-24. Review status: criteria provided, single submitter. Criteria: Invitae Variant Classification Sherloc (09022015). Collection method: clinical testing. Allele origin: germline.
Comment: In summary, the available evidence is currently insufficient to determine the role of this variant in disease. Therefore, it has been classified as a Variant of Uncertain Significance. Algorithms developed to predict the effect of missense changes on protein structure and function are either unavailable or do not agree on the potential impact of this missense change (SIFT: "Deleterious"; PolyPhen-2: "Probably Damaging"; Align-GVGD: "Class C0"). This variant has not been reported in the literature in individuals affected with AGL-related conditions. This variant is not present in population databases (gnomAD no frequency). This sequence change replaces asparagine, which is neutral and polar, with histidine, which is basic and polar, at codon 628 of the AGL protein (p.Asn628His).

NM_000642.3(AGL):c.1882A>C (p.Asn628His)

Gene: AGL (amylo-alpha-1,6-glucosidase and 4-alpha-glucanotransferase; plus strand). Cytogenetic location: 1p21.2.
Variant type: single nucleotide variant.
Coding change: c.1882A>C on transcript NM_000642.3 (MANE Select); coding-DNA position 1882, A replaced by C.
Protein change: p.Asn628His; replaces asparagine 628 with histidine.
Molecular consequence: missense variant.
Genome position (GRCh38, 1-based): chr1:99,880,778, A>C. VCF-style: chr1-99880778-A-C. GRCh37 (hg19) VCF-style: chr1-100346334-A-C.
Other names: c.1882A>C, p.Asn628His (NM_000028.3, NM_000643.3, NM_000644.3 and 2 more transcripts); c.1834A>C, p.Asn612His (NM_000646.3); c.1681A>C, p.Asn561His (NM_001425327.1); c.1678A>C, p.Asn560His (NM_001425328.1, NM_001425329.1); c.1504A>C, p.Asn502His (NM_001425332.1); short protein forms N612H, N628H, N502H, N560H, N561H.
Identifiers: ClinVar variation 2129906 (VCV002129906.4), dbSNP rs2524644349, ClinGen allele CA341317079.